The following is an entry in ClinVar:

ClinVar aggregate classification (germline): Pathogenic (1 of 4 stars; one submission).

Submission:

GeneDx
Classification: Pathogenic. Last evaluated: 2016-05-26. Review status: criteria provided, single submitter. Criteria: GeneDx Variant Classification (06012015). Collection method: clinical testing. Allele origin: germline. Affected: yes.
Comment: The c.4544delA pathogenic variant in the TSC2 gene causes a frameshift starting with codon Asparagine 1515, changes this amino acid to a Threonine residue and creates a premature Stop codon at position 61 of the new reading frame, denoted p.Asn1515ThrfsX61. This pathogenic variant is predicted to cause loss of normal protein function either through protein truncation or nonsense-mediated mRNA decay. Although this variant has not been previously reported to our knowledge, other frameshift variants have been reported in the TSC2 gene in association with tuberous sclerosis complex (TSC2 LOVD; Stenson et al., 2014).

NM_000548.5(TSC2):c.4544del (p.Asn1515fs)

Gene: TSC2 (TSC complex subunit 2; plus strand). Cytogenetic location: 16p13.3.
Variant type: Deletion.
Coding change: c.4544del on transcript NM_000548.5 (MANE Select); coding-DNA position 4544, one base deleted (A; older notation c.4544delA).
Protein change: p.Asn1515fs; shifts the reading frame from asparagine 1515.
Molecular consequence: frameshift variant.
Genome position (GRCh38, 1-based): chr16:2,085,001, A deleted; the last of 3 consecutive A bases (chr16:2,084,999-2,085,001); deleting any one gives the same sequence. VCF-style (leftmost placement, unchanged base first): chr16-2084998-CA-C. GRCh37 (hg19) VCF-style: chr16-2134999-CA-C.
Other names: c.4343del, p.Asn1448fs (NM_001077183.3); c.4475del, p.Asn1492fs (NM_001114382.3); c.4235del, p.Asn1412fs (NM_001318827.2); c.4199del, p.Asn1400fs (NM_001318829.2); c.3812del, p.Asn1271fs (NM_001318831.2); c.4376del, p.Asn1459fs (NM_001318832.2); c.4346del, p.Asn1449fs (NM_001363528.2); c.4412del, p.Asn1471fs (NM_001370404.1); and 1 more; short protein forms N1472fs, N1271fs, N1449fs, N1515fs, N1400fs, N1448fs, N1459fs, N1492fs.
Identifiers: ClinVar variation 280618 (VCV000280618.2), dbSNP rs886041789, ClinGen allele CA10603302.